The following is an entry in ClinVar:

NM_201525.4(ADGRG1):c.*154G>A

Gene: ADGRG1 (adhesion G protein-coupled receptor G1; plus strand). Cytogenetic location: 16q21.
Variant type: single nucleotide variant.
Coding change: c.*154G>A on transcript NM_201525.4 (MANE Select); 154 bases downstream of the stop codon, G replaced by A.
Molecular consequence: 3 prime UTR variant.
Genome position (GRCh38, 1-based): chr16:57,663,736, G>A. VCF-style: chr16-57663736-G-A. GRCh37 (hg19) VCF-style: chr16-57697648-G-A.
Other names: c.*154G>A (NM_001145770.3, NM_001145771.3, NM_001145772.3 and 25 more transcripts).
Identifiers: ClinVar variation 885904 (VCV000885904.6), dbSNP rs113137755, ClinGen allele CA281584055.

ClinVar aggregate classification (germline): Benign/Likely benign. Review status: criteria provided, multiple submitters, no conflicts (2 of 4 stars). 2 submissions from 2 submitters: Benign (1); Likely benign (1). Last evaluated 2018-07-15.

Conditions:
Bilateral frontoparietal polymicrogyria. Also called: CEREBELLAR ATAXIA WITH NEURONAL MIGRATION DEFECT; CORTICAL DYSPLASIA, COMPLEX, WITH OTHER BRAIN MALFORMATIONS 14A (BILATERAL FRONTOPARIETAL). Identifiers: Orphanet 101070, MedGen C1847352, MONDO:0011738, OMIM 606854.

Allele frequency attached by ClinVar (database versions not stated): gnomAD 0.00664 and 0.00699; 1000 Genomes Project 0.00699; 1000 Genomes Project 30x 0.00718; TOPMed 0.00734.

Submissions (2):

GeneDx
Classification: Likely benign. Last evaluated: 2018-07-15. Review status: criteria provided, single submitter. Criteria: GeneDx Variant Classification Process June 2021. Collection method: clinical testing. Allele origin: germline. Affected: yes.

Illumina Laboratory Services, Illumina
Classification: Benign for Bilateral frontoparietal polymicrogyria. Last evaluated: 2018-01-12. Review status: criteria provided, single submitter. Criteria: ICSL Variant Classification Criteria 13 December 2019. Collection method: clinical testing. Allele origin: germline.
Comment: This variant was observed in the ICSL laboratory as part of a predisposition screen in an ostensibly healthy population. It had not been previously curated by ICSL or reported in the Human Gene Mutation Database (HGMD: prior to June 1st, 2018), and was therefore a candidate for classification through an automated scoring system. Utilizing variant allele frequency, disease prevalence and penetrance estimates, and inheritance mode, an automated score was calculated to assess if this variant is too frequent to cause the disease. Based on the score and internal cut-off values, a variant classified as benign is not then subjected to further curation. The score for this variant resulted in a classification of benign for this disease.